The following is an entry in ClinVar:

NM_000133.4(F9):c.1218A>G (p.Ser406=)

Gene: F9 (coagulation factor IX; plus strand). Cytogenetic location: Xq27.1.
Variant type: single nucleotide variant.
Coding change: c.1218A>G on transcript NM_000133.4 (MANE Select); coding-DNA position 1218, A replaced by G.
Protein change: p.Ser406=; no amino-acid change (serine 406 retained).
Molecular consequence: synonymous variant.
Genome position (GRCh38, 1-based): chrX:139,561,903, A>G. VCF-style: chrX-139561903-A-G. GRCh37 (hg19) VCF-style: chrX-138644062-A-G.
Other names: c.1104A>G, p.Ser368= (NM_001313913.2).
Identifiers: ClinVar variation 1161453 (VCV001161453.32), dbSNP rs916632342, ClinGen allele CA336143409.

ClinVar aggregate classification (germline): Likely benign. Review status: criteria provided, multiple submitters, no conflicts (2 of 4 stars). 2 submissions from 2 submitters: Likely benign (2). Last evaluated 2024-08-06.

Conditions:
Hereditary factor IX deficiency disease (HEMB). Also called: Christmas Disease; F9 DEFICIENCY; FACTOR IX DEFICIENCY; Hemophilia B; PLASMA THROMBOPLASTIN COMPONENT DEFICIENCY. Identifiers: Orphanet 98879, MedGen C0008533, MeSH D002836, MONDO:0010604, OMIM 306900.
Thrombophilia, X-linked, due to factor 9 defect. Identifiers: MedGen C2749016, MONDO:0010432, OMIM 300807.

Allele frequency attached by ClinVar (database versions not stated): gnomAD exomes 0.00002 and 0.00003; gnomAD 0.00003; TOPMed 0.00003.
gnomAD v4.1: 21 of 1,210,324 alleles (0.0017%); highest among the groups gnomAD compares: Non-Finnish European, 0.00078%; no homozygotes.

Submissions (2):

Labcorp Genetics (formerly Invitae), Labcorp
Classification: Likely benign for Thrombophilia, X-linked, due to factor 9 defect; Hereditary factor IX deficiency disease. Last evaluated: 2024-08-06. Review status: criteria provided, single submitter. Criteria: Invitae Variant Classification Sherloc (09022015). Collection method: clinical testing. Allele origin: germline.

CeGaT Center for Human Genetics Tuebingen
Classification: Likely benign. Last evaluated: 2023-11-01. Review status: criteria provided, single submitter. Criteria: CeGaT Center For Human Genetics Tuebingen Variant Classification Criteria Version 2. Collection method: clinical testing. Allele origin: germline. Affected: yes. Observed: 1 variant allele.
Comment: F9: BP4, BP7